The following is an entry in ClinVar:

ClinVar aggregate classification (germline): Benign/Likely benign. Review status: criteria provided, multiple submitters, no conflicts (2 of 4 stars). 5 submissions from 5 submitters: Benign (2); Likely benign (3). Last evaluated 2026-04-06.

Conditions:
MTOR-related disorder. Also called: MTOR-related condition.

Allele frequency attached by ClinVar (database versions not stated): gnomAD exomes 0.00006 and 0.00010; ExAC 0.00017; ESP Exome Variant Server 0.00023; TOPMed 0.00028; 1000 Genomes Project 30x 0.00031; gnomAD 0.00036; 1000 Genomes Project 0.00040.
gnomAD v4.1: 138 of 1,611,378 alleles (0.0086%); highest among the groups gnomAD compares: African/African-American, 0.11%; no homozygotes.

Submissions (5):

Women's Health and Genetics/Laboratory Corporation of America, LabCorp
Classification: Benign. Last evaluated: 2026-04-06. Review status: criteria provided, single submitter. Criteria: LabCorp Variant Classification Summary - May 2015. Collection method: clinical testing. Allele origin: germline.
Comment: Variant summary: MTOR c.4470-3C>T alters a non-conserved nucleotide located close to a canonical splice site and therefore could affect mRNA splicing, leading to a significantly altered protein sequence. Consensus agreement among computation tools predicts no significant impact on normal splicing. However, these predictions have yet to be confirmed by functional studies. The variant allele was found at a frequency of 8.4e-05 in 1604410 control chromosomes, predominantly at a frequency of 0.0011 within the African or African-American subpopulation in the gnomAD database. The observed variant frequency within African or African-American control individuals in the gnomAD database exceeds the estimated maximal expected allele frequency for disease-causing variants in MTOR. To our knowledge, no occurrence of c.4470-3C>T in individuals affected with MTOR-related conditions and no experimental evidence demonstrating its impact on protein function have been reported. ClinVar contains an entry for this variant (Variation ID: 700246). Based on the evidence outlined above, the variant was classified as benign.

Labcorp Genetics (formerly Invitae), Labcorp
Classification: Likely benign. Last evaluated: 2025-12-17. Review status: criteria provided, single submitter. Criteria: Invitae Variant Classification Sherloc (09022015). Collection method: clinical testing. Allele origin: germline.

PreventionGenetics, part of Exact Sciences
Classification: Likely benign for MTOR-related condition. Last evaluated: 2025-02-10. Review status: criteria provided, single submitter. Criteria: ACMG Guidelines, 2015. Collection method: clinical testing. Allele origin: germline.
Comment: This variant is classified as likely benign based on ACMG/AMP sequence variant interpretation guidelines (Richards et al. 2015 PMID: 25741868, with internal and published modifications).

CeGaT Center for Human Genetics Tuebingen
Classification: Likely benign. Last evaluated: 2023-08-01. Review status: criteria provided, single submitter. Criteria: CeGaT Center For Human Genetics Tuebingen Variant Classification Criteria Version 2. Collection method: clinical testing. Allele origin: germline. Affected: yes. Observed: 1 variant allele.
Comment: MTOR: BP4, BS1

GeneDx
Classification: Benign. Last evaluated: 2020-03-04. Review status: criteria provided, single submitter. Criteria: GeneDx Variant Classification Process June 2021. Collection method: clinical testing. Allele origin: germline. Affected: yes.

NM_004958.4(MTOR):c.4470-3C>T

Gene: MTOR (mechanistic target of rapamycin kinase; minus strand). Cytogenetic location: 1p36.22.
Variant type: single nucleotide variant.
Coding change: c.4470-3C>T on transcript NM_004958.4 (MANE Select); 3 bases into the intron before coding-DNA position 4470, C replaced by T.
Molecular consequence: intron variant.
Genome position (GRCh38, 1-based): chr1:11,150,229, G>A on the plus strand (C>T on the coding strand, the complement: MTOR is on the minus strand). VCF-style: chr1-11150229-G-A. GRCh37 (hg19) VCF-style: chr1-11210286-G-A.
Identifiers: ClinVar variation 700246 (VCV000700246.38), dbSNP rs201255391, ClinGen allele CA589626.